The following is an entry in ClinVar:

NM_003403.5(YY1):c.1057T>C (p.Phe353Leu)

Gene: YY1 (YY1 transcription factor; plus strand). Cytogenetic location: 14q32.2.
Variant type: single nucleotide variant.
Coding change: c.1057T>C on transcript NM_003403.5 (MANE Select); coding-DNA position 1057, T replaced by C.
Protein change: p.Phe353Leu; replaces phenylalanine 353 with leucine.
Molecular consequence: missense variant.
Genome position (GRCh38, 1-based): chr14:100,276,643, T>C. VCF-style: chr14-100276643-T-C. GRCh37 (hg19) VCF-style: chr14-100742980-T-C.
Other names: Chr14:100276643T>C; short protein forms F353L.
Identifiers: ClinVar variation 2413123 (VCV002413123.6), dbSNP rs2549138620, ClinGen allele CA390969069.

ClinVar aggregate classification (germline): Likely pathogenic. Review status: criteria provided, multiple submitters, no conflicts (2 of 4 stars). 2 submissions from 2 submitters: Likely pathogenic (2). Last evaluated 2023-11-09.

Conditions:
Gabriele de Vries syndrome. Identifiers: Orphanet 506358, MedGen C4479652, MONDO:0044738, OMIM 617557.

Submissions (2):

Klinisk genetik och genomik Research, Gothenburg University
Classification: Likely pathogenic for Gabriele de Vries syndrome. Last evaluated: 2023-11-09. Review status: criteria provided, single submitter. Criteria: ACMG Guidelines, 2015. Collection method: research. Allele origin: unknown. Affected: yes.
Comment: Syndromic multisuture craniosynostosis

Center for Human Genetics and Genomic Medicine, Uniklinik Rwth Aachen
Classification: Likely pathogenic for Gabriele de Vries syndrome. Last evaluated: 2023-01-17. Review status: criteria provided, single submitter. Criteria: ACMG Guidelines, 2015. Collection method: clinical testing. Allele origin: de novo. Inheritance: Autosomal dominant inheritance. Affected: yes. Observed: 1 heterozygote.